The following is an entry in ClinVar:

ClinVar aggregate classification (germline): Likely pathogenic. Review status: criteria provided, multiple submitters, no conflicts (2 of 4 stars). 4 submissions from 4 submitters: Likely pathogenic (4). Last evaluated 2026-06-04.

Conditions:
SDHA-related disorder. Also called: SDHA-related condition; SDHA-related disorders.
Pheochromocytoma/paraganglioma syndrome 5. Also called: Paragangliomas 5; SDHA-Related Hereditary Paraganglioma-Pheochromocytoma Syndrome. Identifiers: Orphanet 29072, MedGen C3279992, MONDO:0013602, OMIM 614165.
Mitochondrial complex II deficiency, nuclear type 1. Also called: SUCCINATE CoQ REDUCTASE DEFICIENCY. Identifiers: Orphanet 3208, MedGen C5700310, MONDO:0100294, OMIM 252011.
Hereditary cancer-predisposing syndrome. Also called: Neoplastic Syndromes, Hereditary; Hereditary Cancer Syndrome; Tumor predisposition; Hereditary neoplastic syndrome. Identifiers: Orphanet 140162, MedGen C0027672, MeSH D009386, MONDO:0015356.

Allele frequency attached by ClinVar (database versions not stated): gnomAD exomes below 0.00001.

Submissions (4):

Ambry Genetics
Classification: Likely pathogenic for Hereditary cancer-predisposing syndrome. Last evaluated: 2026-06-04. Review status: criteria provided, single submitter. Criteria: Ambry Variant Classification Scheme 2023. Collection method: clinical testing. Allele origin: germline.
Comment: The c.1909-1G>A intronic variant results from a G to A substitution one nucleotide upstream from coding exon 15 of the SDHA gene. This nucleotide position is highly conserved in available vertebrate species. This alteration has been observed in individuals with a personal and/or family history that is consistent with SDHA-related disease (Ambry internal data). In silico splice site analysis predicts that this alteration will weaken the native splice acceptor site and will result in the creation or strengthening of a novel splice acceptor site. RNA studies have demonstrated that this alteration results in abnormal splicing in the set of samples tested (Ambry internal data). This alteration occurs at the 3' terminus of the SDHA gene, is not expected to undergo nonsense-mediated mRNA decay, and impacts 4% of the protein structure. Internal structural analysis has determined disruption of this region to impact protein function (Ambry internal data). Based on the majority of available evidence to date, this variant is likely to be pathogenic.

PreventionGenetics, part of Exact Sciences
Classification: Likely pathogenic for SDHA-related condition. Last evaluated: 2025-03-24. Review status: criteria provided, single submitter. Criteria: ACMG Guidelines, 2015. Collection method: clinical testing. Allele origin: germline.
Comment: The SDHA c.1909-1G>A variant is predicted to disrupt the AG splice acceptor site and interfere with normal splicing. To our knowledge, this variant has not been reported in the literature. This variant is reported in 0.00088% of alleles in individuals of European (Non-Finnish) descent in gnomAD. A similar splicing variant in SDHA (c.1909-2A>G) was reported in an individual with a gastrointestinal stromal tumor (Casey et al. 2017. PubMed ID: 28546994). Variants that disrupt the consensus splice acceptor site in SDHA are expected to be pathogenic. In ClinVar, this variant is reported as likely pathogenic. In summary, we classify the SDHA c.1909-1G>A (AG Acceptor) variant as likely pathogenic in the context of hereditary paragangliomas. Although we suspect that this variant may be pathogenic in regard to autosomal dominant neurodegeneration with ataxia and late-onset optic atrophy, at this time, it is still uncertain as it has not been seen in patients with ataxia or neurodegeneration.

Labcorp Genetics (formerly Invitae), Labcorp
Classification: Likely pathogenic for Pheochromocytoma/paraganglioma syndrome 5; Mitochondrial complex II deficiency, nuclear type 1. Last evaluated: 2025-02-06. Review status: criteria provided, single submitter. Criteria: Invitae Variant Classification Sherloc (09022015). Collection method: clinical testing. Allele origin: germline.
Comment: This sequence change affects an acceptor splice site in intron 14 of the SDHA gene. While this variant is not anticipated to result in nonsense mediated decay, it likely alters RNA splicing and results in a disrupted protein product. This variant is present in population databases (no rsID available, gnomAD 0.0009%). Disruption of this splice site has been observed in individual(s) with gastrointestinal stromal tumors (PMID: 28546994; internal data). ClinVar contains an entry for this variant (Variation ID: 486365). Variants that disrupt the consensus splice site are a relatively common cause of aberrant splicing (PMID: 17576681, 9536098). Studies have shown that disruption of this splice site is associated with inconclusive levels of altered splicing (internal data). In summary, the currently available evidence indicates that the variant is pathogenic, but additional data are needed to prove that conclusively. Therefore, this variant has been classified as Likely Pathogenic.

Myriad Genetics, Inc.
Classification: Likely pathogenic for Pheochromocytoma/paraganglioma syndrome 5. Last evaluated: 2023-12-12. Review status: criteria provided, single submitter. Criteria: Myriad Autosomal Dominant, Autosomal Recessive and X-Linked Classification Criteria (2023). Collection method: clinical testing. Allele origin: unknown.
Comment: This variant is considered likely pathogenic. This variant occurs within a consensus splice junction and is predicted to result in abnormal mRNA splicing of either an out-of-frame exon or an in-frame exon necessary for protein stability and/or normal function.

Literature cited by the submitters: PubMed 28546994 (cited by Labcorp Genetics (formerly Invitae), Labcorp); PubMed 17576681 (cited by Labcorp Genetics (formerly Invitae), Labcorp); PubMed 9536098 (cited by Labcorp Genetics (formerly Invitae), Labcorp).

NM_004168.4(SDHA):c.1909-1G>A

Gene: SDHA (succinate dehydrogenase complex flavoprotein subunit A; plus strand). Cytogenetic location: 5p15.33.
Variant type: single nucleotide variant.
Coding change: c.1909-1G>A on transcript NM_004168.4 (MANE Select); the canonical splice acceptor site of the intron before coding-DNA position 1909, G replaced by A.
Molecular consequence: splice acceptor variant.
Genome position (GRCh38, 1-based): chr5:256,333, G>A. VCF-style: chr5-256333-G-A. GRCh37 (hg19) VCF-style: chr5-256448-G-A.
Other names: c.1666-1G>A (NM_001330758.2); c.1765-1G>A (NM_001294332.2).
Identifiers: ClinVar variation 486365 (VCV000486365.16), dbSNP rs1159597886, ClinGen allele CA359002550.